The following is an entry in ClinVar:

ClinVar aggregate classification (germline): Uncertain significance (1 of 4 stars; one submission).

Conditions:
Neurodevelopmental disorder with or without hyperkinetic movements and seizures, autosomal dominant. Also called: Intellectual disability, autosomal dominant 8. Identifiers: MedGen C3280282, MONDO:0013655, OMIM 614254.

Submission:

Labcorp Genetics (formerly Invitae), Labcorp
Classification: Uncertain significance for Neurodevelopmental disorder with or without hyperkinetic movements and seizures, autosomal dominant. Last evaluated: 2025-10-09. Review status: criteria provided, single submitter. Criteria: Invitae Variant Classification Sherloc (09022015). Collection method: clinical testing. Allele origin: germline.
Comment: This sequence change replaces leucine, which is neutral and non-polar, with isoleucine, which is neutral and non-polar, at codon 271 of the GRIN1 protein (p.Leu271Ile). This variant is not present in population databases (gnomAD no frequency). This variant has not been reported in the literature in individuals affected with GRIN1-related conditions. Invitae Evidence Modeling of protein sequence and biophysical properties (such as structural, functional, and spatial information, amino acid conservation, physicochemical variation, residue mobility, and thermodynamic stability) indicates that this missense variant is not expected to disrupt GRIN1 protein function with a negative predictive value of 95%. In summary, the available evidence is currently insufficient to determine the role of this variant in disease. Therefore, it has been classified as a Variant of Uncertain Significance.

NM_007327.4(GRIN1):c.811C>A (p.Leu271Ile)

Gene: GRIN1 (glutamate ionotropic receptor NMDA type subunit 1; plus strand). Cytogenetic location: 9q34.3.
Variant type: single nucleotide variant.
Coding change: c.811C>A on transcript NM_007327.4 (MANE Select); coding-DNA position 811, C replaced by A.
Protein change: p.Leu271Ile; replaces leucine 271 with isoleucine.
Molecular consequence: missense variant.
Genome position (GRCh38, 1-based): chr9:137,156,880, C>A. VCF-style: chr9-137156880-C-A. GRCh37 (hg19) VCF-style: chr9-140051332-C-A.
Other names: c.811C>A, p.Leu271Ile (NM_000832.7, NM_021569.4); c.874C>A, p.Leu292Ile (NM_001185090.2, NM_001185091.2, NM_001437330.1 and 1 more transcripts); short protein forms L271I, L292I.
Identifiers: ClinVar variation 4747294 (VCV004747294.1).